The following is an entry in ClinVar:

NM_031308.4(EPPK1):c.6312G>A (p.Glu2104=)

Gene: EPPK1 (epiplakin 1; minus strand). Cytogenetic location: 8q24.3.
Variant type: single nucleotide variant.
Coding change: c.6312G>A on transcript NM_031308.4 (MANE Select); coding-DNA position 6312, G replaced by A.
Protein change: p.Glu2104=; no amino-acid change (glutamic acid 2104 retained).
Molecular consequence: synonymous variant.
Genome position (GRCh38, 1-based): chr8:143,866,942, C>T on the plus strand (G>A on the coding strand, the complement: EPPK1 is on the minus strand). VCF-style: chr8-143866942-C-T. GRCh37 (hg19) VCF-style: chr8-144941110-C-T.
Identifiers: ClinVar variation 3046316 (VCV003046316.2), dbSNP rs373841264, ClinGen allele CA4921824.

ClinVar aggregate classification (germline): Likely benign (0 of 4 stars; one submission).

Conditions:
EPPK1-related disorder. Also called: EPPK1-related condition.

Allele frequency attached by ClinVar (database versions not stated): ExAC 0.00015; gnomAD 0.00039; ESP Exome Variant Server 0.00047; TOPMed 0.00060.

Submission:

PreventionGenetics, part of Exact Sciences
Classification: Likely benign for EPPK1-related condition. Last evaluated: 2021-05-18. Review status: no assertion criteria provided. Collection method: clinical testing. Allele origin: germline.
Comment: This variant is classified as likely benign based on ACMG/AMP sequence variant interpretation guidelines (Richards et al. 2015 PMID: 25741868, with internal and published modifications).